The following is an entry in ClinVar:

ClinVar aggregate classification (germline): Uncertain significance (1 of 4 stars; one submission).

Conditions:
Familial thoracic aortic aneurysm and aortic dissection (TAAD). Also called: Thoracic aortic aneurysms and dissections. Identifiers: Orphanet 91387, MedGen C4707243, MONDO:0019625.

Submission:

Ambry Genetics
Classification: Uncertain significance for Familial thoracic aortic aneurysm and aortic dissection. Last evaluated: 2022-04-19. Review status: criteria provided, single submitter. Criteria: Ambry Variant Classification Scheme 2023. Collection method: clinical testing. Allele origin: germline.
Comment: The p.N1932K variant (also known as c.5796C>A), located in coding exon 40 of the MYH11 gene, results from a C to A substitution at nucleotide position 5796. The asparagine at codon 1932 is replaced by lysine, an amino acid with similar properties. This amino acid position is conserved. In addition, this alteration is predicted to be tolerated by in silico analysis. Since supporting evidence is limited at this time, the clinical significance of this alteration remains unclear.

NM_002474.3(MYH11):c.5796C>A (p.Asn1932Lys)

Genes: MYH11 (myosin heavy chain 11; minus strand), NDE1 (nudE neurodevelopment protein 1; plus strand). Cytogenetic location: 16p13.11.
Variant type: single nucleotide variant.
Coding change: c.5796C>A on transcript NM_002474.3 (MANE Select); coding-DNA position 5796, C replaced by A.
Protein change: p.Asn1932Lys; replaces asparagine 1932 with lysine.
Molecular consequence: missense variant. On other transcripts: 3 prime UTR variant (2), intron variant (2).
Genome position (GRCh38, 1-based): chr16:15,704,114, G>T on the plus strand (C>A on the coding strand, the complement: MYH11 is on the minus strand). VCF-style: chr16-15704114-G-T. GRCh37 (hg19) VCF-style: chr16-15797971-G-T.
Other names: c.*18C>A (NM_001040113.2, NM_022844.3); c.5817C>A, p.Asn1939Lys (NM_001040114.2); c.947+7254G>T (NM_001143979.2, NM_017668.3); short protein forms N1939K, N1932K.
Identifiers: ClinVar variation 1749681 (VCV001749681.3), dbSNP rs149529195, ClinGen allele CA7921066.
Genomic context (GRCh38, chr16:15,704,114, plus strand): 5'-ATCTGCATTTTCAATAACTCTACGTCCTCCAGACCTTCTAGAAGGAACGAAAGAGGTCTC[G>T]TTTCCTCGCCTGTGGGTTGTAAGAAAACACATTATTTAGCAAAGAAATCTTCATGGTTGG-3'
Protein context (NP_002465.1, residues 1922-1942): NALKSKLRRG[Asn1932Lys]ETSFVPSRRS